The following is an entry in ClinVar:

ClinVar aggregate classification (germline): Likely benign (1 of 4 stars; one submission).

Conditions:
Leigh syndrome (NULS). Also called: Leigh's necrotizing encephalopathy; Leigh's disease; Leigh Syndrome (mtDNA deletion); Leigh Disease; Subacute necrotizing encephalopathy; Necrotizing encephalopathy infantile subacute of Leigh. Identifiers: Orphanet 506, MedGen C2931891, MONDO:0009723, OMIM 256000.

Submission:

Wong Mito Lab, Molecular and Human Genetics, Baylor College of Medicine
Classification: Likely benign for Leigh syndrome. Last evaluated: 2019-10-17. Review status: criteria provided, single submitter. Criteria: Modified ACMG Guidelines (Unpublished). Collection method: clinical testing. Allele origin: germline.
Comment: The NC_012920.1:m.12890C>T (YP_003024036.1:p.Ala185Val) variant in MTND5 gene is interpretated to be a Likely Benign variant based on the modified ACMG guidelines (unpublished). This variant meets the following evidence codes: BS4, BP6

NC_012920.1(MT-ND5):m.12890C>T

Gene: MT-ND5 (mitochondrially encoded NADH dehydrogenase 5; plus strand).
Variant type: single nucleotide variant.
Genome position: chrM-12890-C-T.
Identifiers: ClinVar variation 693496 (VCV000693496.1), dbSNP rs1603223958, ClinGen allele CA414815342.